The following is an entry in ClinVar:

NM_013254.4(TBK1):c.1803T>G (p.Phe601Leu)

Gene: TBK1 (TANK binding kinase 1; plus strand). Cytogenetic location: 12q14.2.
Variant type: single nucleotide variant.
Coding change: c.1803T>G on transcript NM_013254.4 (MANE Select); coding-DNA position 1803, T replaced by G.
Protein change: p.Phe601Leu; replaces phenylalanine 601 with leucine.
Molecular consequence: missense variant.
Genome position (GRCh38, 1-based): chr12:64,496,991, T>G. VCF-style: chr12-64496991-T-G. GRCh37 (hg19) VCF-style: chr12-64890771-T-G.
Other names: c.1803T>G (NM_013254.3); short protein forms F601L.
Identifiers: ClinVar variation 1381819 (VCV001381819.7), dbSNP rs1565824642, ClinGen allele CA385605445.

ClinVar aggregate classification (germline): Uncertain significance. Review status: criteria provided, single submitter (1 of 4 stars). 2 submissions from 2 submitters: Uncertain significance (1). 1 of the submissions does not count toward it. Last evaluated 2025-08-13.

Conditions:
TBK1-related disorder. Also called: TBK1-related condition.
Frontotemporal dementia and/or amyotrophic lateral sclerosis 4. Also called: FTDALS4. Identifiers: Orphanet 275872, MedGen C4225325, MONDO:0014641, OMIM 616439.

Allele frequency attached by ClinVar (database versions not stated): gnomAD exomes below 0.00001.
gnomAD v4.1: 1 of 1,613,278 alleles (0.000062%); highest among the groups gnomAD compares: Non-Finnish European, 0.000085%; no homozygotes.

Submissions (2):

Labcorp Genetics (formerly Invitae), Labcorp
Classification: Uncertain significance for Frontotemporal dementia and/or amyotrophic lateral sclerosis 4. Last evaluated: 2025-08-13. Review status: criteria provided, single submitter. Criteria: Invitae Variant Classification Sherloc (09022015). Collection method: clinical testing. Allele origin: germline.
Comment: This sequence change replaces phenylalanine, which is neutral and non-polar, with leucine, which is neutral and non-polar, at codon 601 of the TBK1 protein (p.Phe601Leu). This variant is not present in population databases (gnomAD no frequency). This variant has not been reported in the literature in individuals affected with TBK1-related conditions. ClinVar contains an entry for this variant (Variation ID: 1381819). Invitae Evidence Modeling of protein sequence and biophysical properties (such as structural, functional, and spatial information, amino acid conservation, physicochemical variation, residue mobility, and thermodynamic stability) indicates that this missense variant is not expected to disrupt TBK1 protein function with a negative predictive value of 95%. In summary, the available evidence is currently insufficient to determine the role of this variant in disease. Therefore, it has been classified as a Variant of Uncertain Significance.

PreventionGenetics, part of Exact Sciences
Classification: Uncertain significance for TBK1-related condition. Last evaluated: 2024-09-25. Review status: no assertion criteria provided. Collection method: clinical testing. Allele origin: germline. Not counted in ClinVar's aggregate classification.
Comment: The TBK1 c.1803T>G variant is predicted to result in the amino acid substitution p.Phe601Leu. To our knowledge, this variant has not been reported in the literature. This variant is reported in 0.00088% of alleles in individuals of European (Non-Finnish) descent in gnomAD. At this time, the clinical significance of this variant is uncertain due to the absence of conclusive functional and genetic evidence.